The following is an entry in ClinVar:

ClinVar aggregate classification (germline): Uncertain significance (1 of 4 stars; one submission).

Conditions:
AFF4-related disorder. Also called: AFF4-related condition.

gnomAD v4.1: 4 of 1,614,168 alleles (0.00025%); highest among the groups gnomAD compares: Non-Finnish European, 0.00034%; no homozygotes.

Submission:

PreventionGenetics, part of Exact Sciences
Classification: Uncertain significance for AFF4-related condition. Last evaluated: 2026-07-14. Review status: criteria provided, single submitter. Criteria: ACMG Guidelines, 2015. Collection method: clinical testing. Allele origin: germline.
Comment: The AFF4 c.1652C>T variant is predicted to result in the amino acid substitution p.Ala551Val. To our knowledge, this variant has not been reported in the literature. This variant is reported in 0.0% of alleles in individuals of African descent in gnomAD. At this time, the clinical significance of this variant is uncertain due to the absence of conclusive functional and genetic evidence.

NM_014423.4(AFF4):c.1652C>T (p.Ala551Val)

Gene: AFF4 (ALF transcription elongation factor 4; minus strand). Cytogenetic location: 5q31.1.
Variant type: single nucleotide variant.
Coding change: c.1652C>T on transcript NM_014423.4 (MANE Select); coding-DNA position 1652, C replaced by T.
Protein change: p.Ala551Val; replaces alanine 551 with valine.
Molecular consequence: missense variant.
Genome position (GRCh38, 1-based): chr5:132,896,978, G>A on the plus strand (C>T on the coding strand, the complement: AFF4 is on the minus strand). VCF-style: chr5-132896978-G-A. GRCh37 (hg19) VCF-style: chr5-132232670-G-A.
Other names: short protein forms A551V.
Identifiers: ClinVar variation 4981798 (VCV004981798.1).